The following is an entry in ClinVar:

NM_005585.5(SMAD6):c.592C>G (p.Arg198Gly)

Gene: SMAD6 (SMAD family member 6; plus strand). Cytogenetic location: 15q22.31.
Variant type: single nucleotide variant.
Coding change: c.592C>G on transcript NM_005585.5 (MANE Select); coding-DNA position 592, C replaced by G.
Protein change: p.Arg198Gly; replaces arginine 198 with glycine.
Molecular consequence: missense variant. On other transcripts: non-coding transcript variant (1).
Genome position (GRCh38, 1-based): chr15:66,703,850, C>G. VCF-style: chr15-66703850-C-G. GRCh37 (hg19) VCF-style: chr15-66996188-C-G.
Other names: short protein forms R198G.
Identifiers: ClinVar variation 2453904 (VCV002453904.4), dbSNP rs1261743877, ClinGen allele CA392949856.

ClinVar aggregate classification (germline): Uncertain significance. Review status: criteria provided, multiple submitters, no conflicts (2 of 4 stars). 2 submissions from 2 submitters: Uncertain significance (2). Last evaluated 2025-09-22.

Conditions:
Aortic valve disease 2 (AOVD2). Identifiers: MedGen C3542024, MONDO:0013902, OMIM 614823.
Inborn genetic diseases. Identifiers: MedGen C0950123, MeSH D030342.

gnomAD v4.1: 71 of 1,356,348 alleles (0.0052%); highest among the groups gnomAD compares: Non-Finnish European, 0.0064%; no homozygotes.

Submissions (2):

Labcorp Genetics (formerly Invitae), Labcorp
Classification: Uncertain significance for Aortic valve disease 2. Last evaluated: 2025-09-22. Review status: criteria provided, single submitter. Criteria: Invitae Variant Classification Sherloc (09022015). Collection method: clinical testing. Allele origin: germline.
Comment: This sequence change replaces arginine, which is basic and polar, with glycine, which is neutral and non-polar, at codon 198 of the SMAD6 protein (p.Arg198Gly). This variant is present in population databases (no rsID available, gnomAD 0.006%). This variant has not been reported in the literature in individuals affected with SMAD6-related conditions. ClinVar contains an entry for this variant (Variation ID: 2453904). Invitae Evidence Modeling of protein sequence and biophysical properties (such as structural, functional, and spatial information, amino acid conservation, physicochemical variation, residue mobility, and thermodynamic stability) indicates that this missense variant is not expected to disrupt SMAD6 protein function with a negative predictive value of 80%. In summary, the available evidence is currently insufficient to determine the role of this variant in disease. Therefore, it has been classified as a Variant of Uncertain Significance.

Ambry Genetics
Classification: Uncertain significance for Inborn genetic diseases. Last evaluated: 2022-12-24. Review status: criteria provided, single submitter. Criteria: Ambry Variant Classification Scheme 2023. Collection method: clinical testing. Allele origin: germline.
Comment: The p.R198G variant (also known as c.592C>G), located in coding exon 1 of the SMAD6 gene, results from a C to G substitution at nucleotide position 592. The arginine at codon 198 is replaced by glycine, an amino acid with dissimilar properties. This amino acid position is conserved. In addition, the in silico prediction for this alteration is inconclusive. Since supporting evidence is limited at this time, the clinical significance of this alteration remains unclear.